The following is an entry in ClinVar:

NM_001191061.2(SLC25A22):c.846G>A (p.Ser282=)

Gene: SLC25A22 (solute carrier family 25 member 22; minus strand). Cytogenetic location: 11p15.5.
Variant type: single nucleotide variant.
Coding change: c.846G>A on transcript NM_001191061.2 (MANE Select); coding-DNA position 846, G replaced by A.
Protein change: p.Ser282=; no amino-acid change (serine 282 retained).
Molecular consequence: synonymous variant.
Genome position (GRCh38, 1-based): chr11:792,041, C>T on the plus strand (G>A on the coding strand, the complement: SLC25A22 is on the minus strand). VCF-style: chr11-792041-C-T. GRCh37 (hg19) VCF-style: chr11-792041-C-T.
Other names: c.846G>A, p.Ser282= (NM_001191060.2, NM_024698.6).
Identifiers: ClinVar variation 697868 (VCV000697868.20), dbSNP rs753804802, ClinGen allele CA5789024.

ClinVar aggregate classification (germline): Likely benign. Review status: criteria provided, multiple submitters, no conflicts (2 of 4 stars). 3 submissions from 3 submitters: Likely benign (3). Last evaluated 2025-08-01.

Conditions:
Early-infantile DEE. Also called: Ohtahara syndrome; Early infantile epileptic encephalopathy with suppression bursts; Early infantile epileptic encephalopathy. Identifiers: Orphanet 1934, MedGen C0393706, MONDO:0800491.

Allele frequency attached by ClinVar (database versions not stated): gnomAD 0.00001; gnomAD exomes 0.00001 and 0.00002; TOPMed 0.00002; ExAC 0.00003.

Submissions (3):

CeGaT Center for Human Genetics Tuebingen
Classification: Likely benign. Last evaluated: 2025-08-01. Review status: criteria provided, single submitter. Criteria: CeGaT Center For Human Genetics Tuebingen Variant Classification Criteria Version 2. Collection method: clinical testing. Allele origin: germline. Affected: yes. Observed: 1 variant allele.
Comment: SLC25A22: BP4, BP7

Labcorp Genetics (formerly Invitae), Labcorp
Classification: Likely benign for Early-infantile DEE. Last evaluated: 2025-04-01. Review status: criteria provided, single submitter. Criteria: Invitae Variant Classification Sherloc (09022015). Collection method: clinical testing. Allele origin: germline.

Blueprint Genetics
Classification: Likely benign. Last evaluated: 2023-09-13. Review status: criteria provided, single submitter. Criteria: ACMG Guidelines, 2015. Collection method: clinical testing. Allele origin: germline.